The following is an entry in ClinVar:

ClinVar aggregate classification (germline): Likely benign (0 of 4 stars; one submission).

Conditions:
CELSR1-related disorder. Also called: CELSR1-related condition.

Allele frequency attached by ClinVar (database versions not stated): gnomAD exomes 0.00025; ExAC 0.00093; TOPMed 0.00214; 1000 Genomes Project 0.00220; gnomAD 0.00229; 1000 Genomes Project 30x 0.00250; ESP Exome Variant Server 0.00285.
gnomAD v4.1: 722 of 1,608,756 alleles (0.045%); highest among the groups gnomAD compares: African/African-American, 0.83%; 3 homozygotes.

Submission:

PreventionGenetics, part of Exact Sciences
Classification: Likely benign for CELSR1-related condition. Last evaluated: 2019-04-16. Review status: no assertion criteria provided. Collection method: clinical testing. Allele origin: germline.
Comment: This variant is classified as likely benign based on ACMG/AMP sequence variant interpretation guidelines (Richards et al. 2015 PMID: 25741868, with internal and published modifications).

NM_001378328.1(CELSR1):c.4086G>A (p.Thr1362=)

Genes: CELSR1 (cadherin EGF LAG seven-pass G-type receptor 1; minus strand), LOC126863170 (CDK7 strongly-dependent group 2 enhancer GRCh37_chr22:46858535-46859734; plus strand). Cytogenetic location: 22q13.31.
Variant type: single nucleotide variant.
Coding change: c.4086G>A on transcript NM_001378328.1 (MANE Select); coding-DNA position 4086, G replaced by A.
Protein change: p.Thr1362=; no amino-acid change (threonine 1362 retained).
Molecular consequence: synonymous variant.
Genome position (GRCh38, 1-based): chr22:46,463,804, C>T on the plus strand (G>A on the coding strand, the complement: CELSR1 is on the minus strand). VCF-style: chr22-46463804-C-T. GRCh37 (hg19) VCF-style: chr22-46859701-C-T.
Other names: c.4086G>A, p.Thr1362= (NM_014246.4).
Identifiers: ClinVar variation 3052092 (VCV003052092.2), dbSNP rs140328042, ClinGen allele CA10294828.